The following is an entry in ClinVar:

NM_001035.3(RYR2):c.611A>T (p.Asp204Val)

Gene: RYR2 (ryanodine receptor 2; plus strand). Cytogenetic location: 1q43.
Variant type: single nucleotide variant.
Coding change: c.611A>T on transcript NM_001035.3 (MANE Select); coding-DNA position 611, A replaced by T.
Protein change: p.Asp204Val; replaces aspartic acid 204 with valine.
Molecular consequence: missense variant.
Genome position (GRCh38, 1-based): chr1:237,387,315, A>T. VCF-style: chr1-237387315-A-T. GRCh37 (hg19) VCF-style: chr1-237550615-A-T.
Other names: short protein forms D204V.
Identifiers: ClinVar variation 1353659 (VCV001353659.10), dbSNP rs2149842971, ClinGen allele CA345377261.

ClinVar aggregate classification (germline): Uncertain significance. Review status: criteria provided, multiple submitters, no conflicts (2 of 4 stars). 2 submissions from 2 submitters: Uncertain significance (2). Last evaluated 2023-05-08.

Conditions:
Catecholaminergic polymorphic ventricular tachycardia 1. Also called: RYR2-Related Catecholaminergic Polymorphic Ventricular Tachycardia; VENTRICULAR TACHYCARDIA, CATECHOLAMINERGIC POLYMORPHIC, 1, WITH OR WITHOUT ATRIAL DYSFUNCTION AND/OR DILATED CARDIOMYOPATHY; VENTRICULAR TACHYCARDIA, STRESS-INDUCED POLYMORPHIC 1. Identifiers: Orphanet 3286, MedGen C1631597, MONDO:0011484, OMIM 604772.
Catecholaminergic polymorphic ventricular tachycardia (CVPT). Also called: Catecholamine-induced polymorphic ventricular tachycardia. Identifiers: Orphanet 3286, MedGen C5574922, MONDO:0017990.

Submissions (2):

All of Us Research Program, National Institutes of Health
Classification: Uncertain significance for Catecholaminergic polymorphic ventricular tachycardia. Last evaluated: 2023-05-08. Review status: criteria provided, single submitter. Criteria: ACMG Guidelines, 2015. Collection method: clinical testing. Allele origin: germline. Inheritance: Autosomal dominant inheritance. Observed: 1 variant allele, 1 heterozygote.
Comment: This study involves interpretation of variants in research participants for the purpose of population health screening. Participant phenotype was not available at the time of variant classification. Additional details can be found in publication PMID: 35346344, PMCID: PMC8962531

Labcorp Genetics (formerly Invitae), Labcorp
Classification: Uncertain significance for Catecholaminergic polymorphic ventricular tachycardia 1. Last evaluated: 2020-12-04. Review status: criteria provided, single submitter. Criteria: Invitae Variant Classification Sherloc (09022015). Collection method: clinical testing. Allele origin: germline.
Comment: In summary, the available evidence is currently insufficient to determine the role of this variant in disease. Therefore, it has been classified as a Variant of Uncertain Significance. Advanced modeling of protein sequence and biophysical properties (such as structural, functional, and spatial information, amino acid conservation, physicochemical variation, residue mobility, and thermodynamic stability) performed at Invitae indicates that this missense variant is expected to disrupt RYR2 protein function. This variant has not been reported in the literature in individuals with RYR2-related conditions. This variant is not present in population databases (ExAC no frequency). This sequence change replaces aspartic acid with valine at codon 204 of the RYR2 protein (p.Asp204Val). The aspartic acid residue is highly conserved and there is a large physicochemical difference between aspartic acid and valine.